The following is an entry in ClinVar:

ClinVar aggregate classification (germline): Uncertain significance (1 of 4 stars; one submission).

Conditions:
Spondylocarpotarsal synostosis syndrome (SCT). Also called: SPONDYLOCARPOTARSAL SYNDROME; VERTEBRAL FUSION WITH CARPAL COALITION; Spondylocarpotarsal Synostosis Syndrome (FLNB-SCT); Synspondylism congenital; Scoliosis, congenital with unilateral unsegmented bar. Identifiers: Orphanet 3275, MedGen C1848934, MONDO:0010094, OMIM 272460.
Boomerang dysplasia. Identifiers: Orphanet 1263, MedGen C0432201, MONDO:0007208, OMIM 112310.
Atelosteogenesis type I. Also called: SPONDYLOHUMEROFEMORAL HYPOPLASIA; GIANT CELL CHONDRODYSPLASIA; Atelosteogenesis Type 1 (FLNB-AO1). Identifiers: Orphanet 1190, MedGen C0265283, MONDO:0007167, OMIM 108720.
Atelosteogenesis type III. Also called: Atelosteogenesis Type 3 (FLNB-AO3). Identifiers: Orphanet 56305, MedGen C3668942, MONDO:0007168, OMIM 108721.
Larsen syndrome (LRS). Also called: Larsen syndrome (FLNB-LS); Bilateral dislocation of the knees, pes cavus, cylindrically shaped fingers and characteristic facies. Identifiers: Orphanet 503, MedGen C0175778, MONDO:0007875, OMIM 150250. Disease mechanism: loss of function.

Submission:

Juno Genomics, Hangzhou Juno Genomics, Inc
Classification: Uncertain significance for Atelosteogenesis type I; Atelosteogenesis type III; Boomerang dysplasia; Larsen syndrome; Spondylocarpotarsal synostosis syndrome. Review status: criteria provided, single submitter. Criteria: ACMG Guidelines, 2015. Collection method: clinical testing. Allele origin: germline.
Comment: Missense variant in a gene that has a low rate of benign missense variation.;Multiple lines of computational evidence support a deleterious effect on the gene or gene product.;Absent from controls (or at extremely low frequency if recessive) in Genome Aggregation Database.

NM_001457.4(FLNB):c.3301C>A (p.Pro1101Thr)

Gene: FLNB (filamin B; plus strand). Cytogenetic location: 3p14.3.
Variant type: single nucleotide variant.
Coding change: c.3301C>A on transcript NM_001457.4 (MANE Select); coding-DNA position 3301, C replaced by A.
Protein change: p.Pro1101Thr; replaces proline 1101 with threonine.
Molecular consequence: missense variant.
Genome position (GRCh38, 1-based): chr3:58,123,267, C>A. VCF-style: chr3-58123267-C-A. GRCh37 (hg19) VCF-style: chr3-58108994-C-A.
Other names: c.3301C>A, p.Pro1101Thr (NM_001164317.2, NM_001164318.2, NM_001164319.2); short protein forms P1101T.
Identifiers: ClinVar variation 5006680 (VCV005006680.2).